The following is an entry in ClinVar:

ClinVar aggregate classification (germline): Uncertain significance (1 of 4 stars; one submission).

Conditions:
Amyotrophic lateral sclerosis type 21. Also called: VOCAL CORD AND PHARYNGEAL DYSFUNCTION WITH DISTAL MYOPATHY; MYOPATHY, DISTAL, 2. Identifiers: Orphanet 600, Orphanet 803, MedGen C3807521, MONDO:0011632, OMIM 606070.

Allele frequency attached by ClinVar (database versions not stated): gnomAD exomes below 0.00001; ExAC 0.00001.
gnomAD v4.1: 1 of 1,614,228 alleles (0.000062%); highest among the groups gnomAD compares: Non-Finnish European, 0.000085%; no homozygotes.

Submission:

Labcorp Genetics (formerly Invitae), Labcorp
Classification: Uncertain significance for Amyotrophic lateral sclerosis type 21. Last evaluated: 2025-07-08. Review status: criteria provided, single submitter. Criteria: Invitae Variant Classification Sherloc (09022015). Collection method: clinical testing. Allele origin: germline.
Comment: This sequence change replaces isoleucine, which is neutral and non-polar, with leucine, which is neutral and non-polar, at codon 735 of the MATR3 protein (p.Ile735Leu). This variant is not present in population databases (gnomAD no frequency). This variant has not been reported in the literature in individuals affected with MATR3-related conditions. ClinVar contains an entry for this variant (Variation ID: 2704953). Invitae Evidence Modeling of protein sequence and biophysical properties (such as structural, functional, and spatial information, amino acid conservation, physicochemical variation, residue mobility, and thermodynamic stability) indicates that this missense variant is not expected to disrupt MATR3 protein function with a negative predictive value of 80%. In summary, the available evidence is currently insufficient to determine the role of this variant in disease. Therefore, it has been classified as a Variant of Uncertain Significance.

NM_018834.6(MATR3):c.2203A>C (p.Ile735Leu)

Gene: MATR3 (matrin 3; plus strand). Cytogenetic location: 5q31.2.
Variant type: single nucleotide variant.
Coding change: c.2203A>C on transcript NM_018834.6 (MANE Select); coding-DNA position 2203, A replaced by C.
Protein change: p.Ile735Leu; replaces isoleucine 735 with leucine.
Molecular consequence: missense variant.
Genome position (GRCh38, 1-based): chr5:139,325,494, A>C. VCF-style: chr5-139325494-A-C. GRCh37 (hg19) VCF-style: chr5-138661183-A-C.
Other names: c.2203A>C, p.Ile735Leu (NM_001194954.2, NM_001194955.2, NM_001400447.1 and 11 more transcripts); c.1339A>C, p.Ile447Leu (NM_001194956.2); c.1189A>C, p.Ile397Leu (NM_001282278.2, NM_001400462.1, NM_001400463.1 and 4 more transcripts); c.2347A>C, p.Ile783Leu (NM_001400441.1, NM_001400442.1, NM_001400443.1 and 2 more transcripts); c.1342A>C, p.Ile448Leu (NM_001400459.1); c.1333A>C, p.Ile445Leu (NM_001400460.1); c.1303A>C, p.Ile435Leu (NM_001400461.1); short protein forms I397L, I435L, I735L, I448L, I447L, I783L, I445L.
Identifiers: ClinVar variation 2704953 (VCV002704953.3), dbSNP rs777695336, ClinGen allele CA3433388.